The following is an entry in ClinVar:

NM_000374.5(UROD):c.1033A>G (p.Met345Val)

Gene: UROD (uroporphyrinogen decarboxylase; plus strand). Cytogenetic location: 1p34.1.
Variant type: single nucleotide variant.
Coding change: c.1033A>G on transcript NM_000374.5 (MANE Select); coding-DNA position 1033, A replaced by G.
Protein change: p.Met345Val; replaces methionine 345 with valine.
Molecular consequence: missense variant. On other transcripts: non-coding transcript variant (3).
Genome position (GRCh38, 1-based): chr1:45,015,427, A>G. VCF-style: chr1-45015427-A-G. GRCh37 (hg19) VCF-style: chr1-45481099-A-G.
Other names: short protein forms M345V.
Identifiers: ClinVar variation 2186853 (VCV002186853.4), dbSNP rs142869188, ClinGen allele CA825413.
Genomic context (GRCh38, chr1:45,015,427, plus strand): 5'-CTGGATGACTTTGGACCACATCGCTACATTGCCAACCTGGGCCATGGGCTTTATCCTGAC[A>G]TGGACCCAGAACATGTGGGCGCCTTTGTGGATGCTGTGCATAAACACTCACGTCTGCTTC-3'
Protein context (NP_000365.3, residues 335-355): ANLGHGLYPD[Met345Val]DPEHVGAFVD

ClinVar aggregate classification (germline): Uncertain significance (1 of 4 stars; one submission).

Allele frequency attached by ClinVar (database versions not stated): gnomAD 0.00002; ExAC 0.00004; TOPMed 0.00005; gnomAD exomes 0.00006; ESP Exome Variant Server 0.00008.
gnomAD v4.1: 83 of 1,614,110 alleles (0.0051%); highest among the groups gnomAD compares: Admixed American, 0.012%; no homozygotes.

Submission:

Labcorp Genetics (formerly Invitae), Labcorp
Classification: Uncertain significance. Last evaluated: 2022-10-07. Review status: criteria provided, single submitter. Criteria: Invitae Variant Classification Sherloc (09022015). Collection method: clinical testing. Allele origin: germline.
Comment: This sequence change replaces methionine, which is neutral and non-polar, with valine, which is neutral and non-polar, at codon 345 of the UROD protein (p.Met345Val). This variant is present in population databases (rs142869188, gnomAD 0.02%). This variant has not been reported in the literature in individuals affected with UROD-related conditions. Advanced modeling of protein sequence and biophysical properties (such as structural, functional, and spatial information, amino acid conservation, physicochemical variation, residue mobility, and thermodynamic stability) performed at Invitae indicates that this missense variant is not expected to disrupt UROD protein function. In summary, the available evidence is currently insufficient to determine the role of this variant in disease. Therefore, it has been classified as a Variant of Uncertain Significance.